The following is an entry in ClinVar:

NM_001401501.2(MUC16):c.43862C>T (p.Ser14621Leu)

Gene: MUC16 (mucin 16, cell surface associated; minus strand). Cytogenetic location: 19p13.2.
Variant type: single nucleotide variant.
Coding change: c.43862C>T on transcript NM_001401501.2 (MANE Select); coding-DNA position 43862, C replaced by T.
Protein change: p.Ser14621Leu; replaces serine 14621 with leucine.
Molecular consequence: missense variant.
Genome position (GRCh38, 1-based): chr19:8,884,976, G>A on the plus strand (C>T on the coding strand, the complement: MUC16 is on the minus strand). VCF-style: chr19-8884976-G-A. GRCh37 (hg19) VCF-style: chr19-8995652-G-A.
Other names: c.44288C>T, p.Ser14763Leu (NM_001414686.1); c.43742C>T, p.Ser14581Leu (NM_001414687.1); c.41336C>T, p.Ser13779Leu (NM_024690.2); short protein forms S13779L, S14581L, S14621L, S14763L.
Identifiers: ClinVar variation 3048498 (VCV003048498.2), dbSNP rs532355737, ClinGen allele CA9162878.

ClinVar aggregate classification (germline): Benign (0 of 4 stars; one submission).

Conditions:
MUC16-related disorder. Also called: MUC16-related condition.

Allele frequency attached by ClinVar (database versions not stated): TOPMed 0.00005; gnomAD 0.00024; gnomAD exomes 0.00047; ExAC 0.00134; 1000 Genomes Project 30x 0.00156; 1000 Genomes Project 0.00160.

Submission:

PreventionGenetics, part of Exact Sciences
Classification: Benign for MUC16-related condition. Last evaluated: 2019-04-25. Review status: no assertion criteria provided. Collection method: clinical testing. Allele origin: germline.
Comment: This variant is classified as benign based on ACMG/AMP sequence variant interpretation guidelines (Richards et al. 2015 PMID: 25741868, with internal and published modifications).